The following is an entry in ClinVar:

ClinVar aggregate classification (germline): Uncertain significance (1 of 4 stars; one submission).

Submission:

Women's Health and Genetics/Laboratory Corporation of America, LabCorp
Classification: Uncertain significance. Last evaluated: 2026-01-26. Review status: criteria provided, single submitter. Criteria: LabCorp Variant Classification Summary - May 2015. Collection method: clinical testing. Allele origin: germline.
Comment: Variant summary: B3GALT6 c.134G>T (p.Arg45Leu) results in a non-conservative amino acid change in the encoded protein sequence. Algorithms developed to predict the effect of missense changes on protein structure and function are either unavailable or do not agree on the potential impact of this missense change. The frequency data for this variant in gnomAD is considered unreliable, as metrics indicate poor data quality at this position. To our knowledge, no occurrence of c.134G>T in individuals affected with B3GALT6-related conditions and no experimental evidence demonstrating its impact on protein function have been reported. No submitters have cited clinical-significance assessments for this variant to ClinVar. Based on the evidence outlined above, the variant was classified as uncertain significance.

NM_080605.4(B3GALT6):c.134G>T (p.Arg45Leu)

Gene: B3GALT6 (beta-1,3-galactosyltransferase 6; plus strand). Cytogenetic location: 1p36.33.
Variant type: single nucleotide variant.
Coding change: c.134G>T on transcript NM_080605.4 (MANE Select); coding-DNA position 134, G replaced by T.
Protein change: p.Arg45Leu; replaces arginine 45 with leucine.
Molecular consequence: missense variant.
Genome position (GRCh38, 1-based): chr1:1,232,412, G>T. VCF-style: chr1-1232412-G-T. GRCh37 (hg19) VCF-style: chr1-1167792-G-T.
Other names: short protein forms R45L.
Identifiers: ClinVar variation 4689708 (VCV004689708.1).
Genomic context (GRCh38, chr1:1,232,412, plus strand): 5'-CGCTGCTCTACCTGGCGCGCTGCGCGGCCGAGCCCGGGGACCCCAGGGCGATGTCGGGCC[G>T]CAGCCCGCCTCCCCCCGCGCCCGCGCGCGCCGCCGCCTTCCTGGCAGTGCTGGTGGCCAG-3'
Protein context (NP_542172.2, residues 35-55): EPGDPRAMSG[Arg45Leu]SPPPPAPARA